The following is an entry in ClinVar:

ClinVar aggregate classification (germline): Uncertain significance (1 of 4 stars; one submission).

Allele frequency attached by ClinVar (database versions not stated): gnomAD 0.00001; gnomAD exomes 0.00001; TOPMed 0.00002.
gnomAD v4.1: 17 of 1,530,030 alleles (0.0011%); highest among the groups gnomAD compares: Non-Finnish European, 0.0015%; no homozygotes.

Submission:

Labcorp Genetics (formerly Invitae), Labcorp
Classification: Uncertain significance. Last evaluated: 2021-11-28. Review status: criteria provided, single submitter. Criteria: Invitae Variant Classification Sherloc (09022015). Collection method: clinical testing. Allele origin: germline.
Comment: This sequence change replaces glutamic acid, which is acidic and polar, with aspartic acid, which is acidic and polar, at codon 554 of the MAK protein (p.Glu554Asp). This variant is not present in population databases (gnomAD no frequency). This variant has not been reported in the literature in individuals affected with MAK-related conditions. Experimental studies and prediction algorithms are not available or were not evaluated, and the functional significance of this variant is currently unknown. In summary, the available evidence is currently insufficient to determine the role of this variant in disease. Therefore, it has been classified as a Variant of Uncertain Significance.

NM_001242957.3(MAK):c.1662G>C (p.Glu554Asp)

Gene: MAK (male germ cell associated kinase; minus strand). Cytogenetic location: 6p24.2.
Variant type: single nucleotide variant.
Coding change: c.1662G>C on transcript NM_001242957.3 (MANE Select); coding-DNA position 1662, G replaced by C.
Protein change: p.Glu554Asp; replaces glutamic acid 554 with aspartic acid.
Molecular consequence: missense variant. On other transcripts: intron variant (3).
Genome position (GRCh38, 1-based): chr6:10,773,044, C>G on the plus strand (G>C on the coding strand, the complement: MAK is on the minus strand). VCF-style: chr6-10773044-C-G. GRCh37 (hg19) VCF-style: chr6-10773277-C-G.
Other names: c.1495+2284G>C (NM_001377262.1); c.1597+2284G>C (NM_005906.6, NM_001242385.2); short protein forms E554D.
Identifiers: ClinVar variation 1463553 (VCV001463553.3), dbSNP rs1208624988, ClinGen allele CA362715052.
Genomic context (GRCh38, chr6:10,773,044, plus strand): 5'-GACAAGAGATTCAAAGAACAAACTGCATTCATCTGACGCCCAGAAATTACCTTGTGGGTC[C>G]TCTAATTTTTCAGGAAAAGTTTCATTGCATGATAGTTTTTCGATTGGTTTAATTATGCTT-3'
Protein context (NP_001229886.1, residues 544-564): SCNETFPEKL[Glu554Asp]DPQGNLGSYA